The following is an entry in ClinVar:

NM_032444.4(SLX4):c.4903A>G (p.Lys1635Glu)

Gene: SLX4 (SLX4 structure-specific endonuclease subunit; minus strand). Cytogenetic location: 16p13.3.
Variant type: single nucleotide variant.
Coding change: c.4903A>G on transcript NM_032444.4 (MANE Select); coding-DNA position 4903, A replaced by G.
Protein change: p.Lys1635Glu; replaces lysine 1635 with glutamic acid.
Molecular consequence: missense variant.
Genome position (GRCh38, 1-based): chr16:3,583,347, T>C on the plus strand (A>G on the coding strand, the complement: SLX4 is on the minus strand). VCF-style: chr16-3583347-T-C. GRCh37 (hg19) VCF-style: chr16-3633348-T-C.
Other names: c.4903A>G (NM_032444.3); short protein forms K1635E.
Identifiers: ClinVar variation 1692018 (VCV001692018.12), dbSNP rs140417509, ClinGen allele CA7865471.

ClinVar aggregate classification (germline): Uncertain significance. Review status: criteria provided, multiple submitters, no conflicts (2 of 4 stars). 5 submissions from 5 submitters: Uncertain significance (4). 1 of the submissions does not count toward it. Last evaluated 2025-09-05.

Conditions:
SLX4-related disorder. Also called: SLX4-related condition.
Inborn genetic diseases. Identifiers: MedGen C0950123, MeSH D030342.
Fanconi anemia complementation group P. Also called: SLX4-Related Fanconi Anemia. Identifiers: Orphanet 84, MedGen C3469542, MONDO:0013499, OMIM 613951.
Fanconi anemia (FA). Also called: Fanconi's anemia. Identifiers: Orphanet 84, MedGen C0015625, MeSH D005199, MONDO:0019391.

Allele frequency attached by ClinVar (database versions not stated): gnomAD exomes 0.00001 and 0.00004; ExAC 0.00006; gnomAD 0.00011; TOPMed 0.00013; 1000 Genomes Project 0.00020; ESP Exome Variant Server 0.00023; 1000 Genomes Project 30x 0.00031.
gnomAD v4.1: 31 of 1,613,660 alleles (0.0019%); highest among the groups gnomAD compares: African/African-American, 0.035%; no homozygotes.

Submissions (5):

Ambry Genetics
Classification: Uncertain significance for Inborn genetic diseases. Last evaluated: 2025-09-05. Review status: criteria provided, single submitter. Criteria: Ambry Variant Classification Scheme 2023. Collection method: clinical testing. Allele origin: germline.

Labcorp Genetics (formerly Invitae), Labcorp
Classification: Uncertain significance for Fanconi anemia. Last evaluated: 2025-03-12. Review status: criteria provided, single submitter. Criteria: Invitae Variant Classification Sherloc (09022015). Collection method: clinical testing. Allele origin: germline.
Comment: This sequence change replaces lysine, which is basic and polar, with glutamic acid, which is acidic and polar, at codon 1635 of the SLX4 protein (p.Lys1635Glu). This variant is present in population databases (rs140417509, gnomAD 0.04%). This variant has not been reported in the literature in individuals affected with SLX4-related conditions. ClinVar contains an entry for this variant (Variation ID: 1692018). An algorithm developed to predict the effect of missense changes on protein structure and function (PolyPhen-2) suggests that this variant is likely to be tolerated. In summary, the available evidence is currently insufficient to determine the role of this variant in disease. Therefore, it has been classified as a Variant of Uncertain Significance.

Fulgent Genetics
Classification: Uncertain significance for Fanconi anemia complementation group P. Last evaluated: 2024-05-02. Review status: criteria provided, single submitter. Criteria: ACMG Guidelines, 2015. Collection method: clinical testing. Allele origin: germline.

Sema4
Classification: Uncertain significance for Fanconi anemia. Last evaluated: 2021-12-15. Review status: criteria provided, single submitter. Criteria: Sema4 Curation Guidelines. Collection method: curation. Allele origin: germline.
Comment: The SLX4 c.4903A>G (p.K1635E) variant has not been reported in the individuals with SLX4-related disease to our knowledge. It was observed in 12/24968 chromosomes in the African/African American subpopulation in the large and broad cohorts of the Genome Aggregation Database (PMID: 32461654). This variant has not been reported in ClinVar. In silico tools suggest the impact of the variant on protein function is benign, though these predictions have not been confirmed by functional studies. There is no indication that this variant causes disease, but the evidence is insufficient currently to prove that conclusively. Thus, the clinical significance of this variant is currently uncertain.

PreventionGenetics, part of Exact Sciences
Classification: Uncertain significance for SLX4-related condition. Last evaluated: 2024-02-13. Review status: no assertion criteria provided. Collection method: clinical testing. Allele origin: germline. Not counted in ClinVar's aggregate classification.
Comment: The SLX4 c.4903A>G variant is predicted to result in the amino acid substitution p.Lys1635Glu. To our knowledge, this variant has not been reported in the literature. This variant is reported in 0.048% of alleles in individuals of African descent in gnomAD. At this time, the clinical significance of this variant is uncertain due to the absence of conclusive functional and genetic evidence.